The following is an entry in ClinVar:

NM_004415.4(DSP):c.5107A>G (p.Ile1703Val)

Gene: DSP (desmoplakin; plus strand). Cytogenetic location: 6p24.3.
Variant type: single nucleotide variant.
Coding change: c.5107A>G on transcript NM_004415.4 (MANE Select); coding-DNA position 5107, A replaced by G.
Protein change: p.Ile1703Val; replaces isoleucine 1703 with valine.
Molecular consequence: missense variant. On other transcripts: intron variant (2).
Genome position (GRCh38, 1-based): chr6:7,581,297, A>G. VCF-style: chr6-7581297-A-G. GRCh37 (hg19) VCF-style: chr6-7581530-A-G.
Other names: c.3583-1345A>G (NM_001008844.3); c.5107A>G (NM_004415.2); c.4050+1057A>G (NM_001319034.2); short protein forms I1703V.
Identifiers: ClinVar variation 1417203 (VCV001417203.7), dbSNP rs868035157, ClinGen allele CA362687871.

ClinVar aggregate classification (germline): Uncertain significance. Review status: criteria provided, multiple submitters, no conflicts (2 of 4 stars). 2 submissions from 2 submitters: Uncertain significance (2). Last evaluated 2025-06-05.

Conditions:
Arrhythmogenic cardiomyopathy with wooly hair and keratoderma. Also called: PALMOPLANTAR KERATODERMA WITH LEFT VENTRICULAR CARDIOMYOPATHY AND WOOLLY HAIR; Carvajal syndrome; Dilated cardiomyopathy with woolly hair and keratoderma; Arrhythmogenic cardiomyopathy with woolly hair and keratoderma. Identifiers: Orphanet 65282, MedGen C1854063, MONDO:0011581, OMIM 605676.
Arrhythmogenic right ventricular dysplasia 8 (ARVD8). Also called: ARRHYTHMOGENIC RIGHT VENTRICULAR CARDIOMYOPATHY 8; ARRHYTHMOGENIC RIGHT VENTRICULAR DYSPLASIA, FAMILIAL, 8; Arrhythmogenic Right Ventricular Dysplasia/Cardiomyopathy 8. Identifiers: MedGen C1843896, MONDO:0011831, OMIM 607450.

Submissions (2):

GeneDx
Classification: Uncertain significance. Last evaluated: 2025-06-05. Review status: criteria provided, single submitter. Criteria: GeneDx Variant Classification Process June 2021. Collection method: clinical testing. Allele origin: germline. Affected: yes.
Comment: Not observed at significant frequency in large population cohorts (gnomAD); In silico analysis suggests that this missense variant does not alter protein structure/function; Has not been previously published as pathogenic or benign to our knowledge

Labcorp Genetics (formerly Invitae), Labcorp
Classification: Uncertain significance for Arrhythmogenic cardiomyopathy with wooly hair and keratoderma; Arrhythmogenic right ventricular dysplasia 8. Last evaluated: 2022-08-09. Review status: criteria provided, single submitter. Criteria: Invitae Variant Classification Sherloc (09022015). Collection method: clinical testing. Allele origin: germline.
Comment: This variant has not been reported in the literature in individuals affected with DSP-related conditions. ClinVar contains an entry for this variant (Variation ID: 1417203). Algorithms developed to predict the effect of missense changes on protein structure and function (SIFT, PolyPhen-2, Align-GVGD) all suggest that this variant is likely to be tolerated. In summary, the available evidence is currently insufficient to determine the role of this variant in disease. Therefore, it has been classified as a Variant of Uncertain Significance. This sequence change replaces isoleucine, which is neutral and non-polar, with valine, which is neutral and non-polar, at codon 1703 of the DSP protein (p.Ile1703Val). This variant is not present in population databases (gnomAD no frequency).